The following is an entry in ClinVar:

NM_000138.5(FBN1):c.465C>A (p.Leu155=)

Gene: FBN1 (fibrillin 1; minus strand). Cytogenetic location: 15q21.1.
Variant type: single nucleotide variant.
Coding change: c.465C>A on transcript NM_000138.5 (MANE Select); coding-DNA position 465, C replaced by A.
Protein change: p.Leu155=; no amino-acid change (leucine 155 retained).
Molecular consequence: synonymous variant.
Genome position (GRCh38, 1-based): chr15:48,596,356, G>T on the plus strand (C>A on the coding strand, the complement: FBN1 is on the minus strand). VCF-style: chr15-48596356-G-T. GRCh37 (hg19) VCF-style: chr15-48888553-G-T.
Identifiers: ClinVar variation 1579081 (VCV001579081.9), dbSNP rs1287033860, ClinGen allele CA490096042.

ClinVar aggregate classification (germline): Likely benign. Review status: criteria provided, multiple submitters, no conflicts (2 of 4 stars). 2 submissions from 2 submitters: Likely benign (2). Last evaluated 2024-04-16.

Conditions:
Marfan syndrome (MFS). Also called: Marfan syndrome, classic; MARFAN SYNDROME, TYPE I; Marfan syndrome type 1; Marfan's syndrome; FBN1-Related Marfan Syndrome. Identifiers: Orphanet 284963, Orphanet 558, MedGen C0024796, MONDO:0007947, OMIM 154700.
Familial thoracic aortic aneurysm and aortic dissection (TAAD). Also called: Thoracic aortic aneurysms and dissections. Identifiers: Orphanet 91387, MedGen C4707243, MONDO:0019625.

Allele frequency attached by ClinVar (database versions not stated): gnomAD 0.00001; TOPMed below 0.00001.
gnomAD v4.1: 3 of 1,613,912 alleles (0.00019%); highest among the groups gnomAD compares: African/African-American, 0.0027%; no homozygotes.

Submissions (2):

All of Us Research Program, National Institutes of Health
Classification: Likely benign for Marfan syndrome. Last evaluated: 2024-04-16. Review status: criteria provided, single submitter. Criteria: ACMG Guidelines, 2015. Collection method: clinical testing. Allele origin: germline. Inheritance: Autosomal dominant inheritance. Observed: 1 variant allele, 1 heterozygote.
Comment: This study involves interpretation of variants in research participants for the purpose of population health screening. Participant phenotype was not available at the time of variant classification. Additional details can be found in publication PMID: 35346344, PMCID: PMC8962531

Labcorp Genetics (formerly Invitae), Labcorp
Classification: Likely benign for Marfan syndrome; Familial thoracic aortic aneurysm and aortic dissection. Last evaluated: 2021-07-13. Review status: criteria provided, single submitter. Criteria: Invitae Variant Classification Sherloc (09022015). Collection method: clinical testing. Allele origin: germline.